The following is an entry in ClinVar:

ClinVar aggregate classification (germline): Uncertain significance (1 of 4 stars; one submission).

Conditions:
Inborn genetic diseases. Identifiers: MedGen C0950123, MeSH D030342.

Submission:

Ambry Genetics
Classification: Uncertain significance for Inborn genetic diseases. Last evaluated: 2025-01-07. Review status: criteria provided, single submitter. Criteria: Ambry Variant Classification Scheme 2023. Collection method: clinical testing. Allele origin: germline.
Comment: The p.R1223K variant (also known as c.3668G>A), located in coding exon 33 of the RTEL1 gene, results from a G to A substitution at nucleotide position 3668. The arginine at codon 1223 is replaced by lysine, an amino acid with highly similar properties. This amino acid position is conserved. In addition, this alteration is predicted to be tolerated by in silico analysis. Based on the available evidence, the clinical significance of this variant remains unclear.

NM_001283009.2(RTEL1):c.3668G>A (p.Arg1223Lys)

Genes: RTEL1 (regulator of telomere elongation helicase 1; plus strand), RTEL1-TNFRSF6B (RTEL1-TNFRSF6B readthrough (NMD candidate); plus strand). Cytogenetic location: 20q13.33.
Variant type: single nucleotide variant.
Coding change: c.3668G>A on transcript NM_001283009.2 (MANE Select); coding-DNA position 3668, G replaced by A.
Protein change: p.Arg1223Lys; replaces arginine 1223 with lysine.
Molecular consequence: missense variant. On other transcripts: non-coding transcript variant (1), intron variant (3).
Genome position (GRCh38, 1-based): chr20:63,695,496, G>A. VCF-style: chr20-63695496-G-A. GRCh37 (hg19) VCF-style: chr20-62326849-G-A.
Other names: c.2983+16G>A (NM_001283010.1); c.3724+16G>A (NM_032957.5); c.3652+16G>A (NM_016434.4); short protein forms R1223K.
Identifiers: ClinVar variation 3791038 (VCV003791038.1).
Genomic context (GRCh38, chr20:63,695,496, plus strand): 5'-GCCAGTCCTCAGGACCTCCCCACGGGCCTGCAGCATCTGAGTGGGGTGAGCCTCATGGGA[G>A]AGACATCGCTGGGCAGCAGGCCACGGGAGCTCCGGGCGGGCCCCTCTCAGCAGGCTGTGT-3'
Protein context (NP_001269938.1, residues 1213-1233): AASEWGEPHG[Arg1223Lys]DIAGQQATGA